The following is an entry in ClinVar:

NM_015213.4(DENND5A):c.3209C>T (p.Pro1070Leu)

Gene: DENND5A (DENN domain containing 5A; minus strand). Cytogenetic location: 11p15.4.
Variant type: single nucleotide variant.
Coding change: c.3209C>T on transcript NM_015213.4 (MANE Select); coding-DNA position 3209, C replaced by T.
Protein change: p.Pro1070Leu; replaces proline 1070 with leucine.
Molecular consequence: missense variant. On other transcripts: non-coding transcript variant (1).
Genome position (GRCh38, 1-based): chr11:9,144,192, G>A on the plus strand (C>T on the coding strand, the complement: DENND5A is on the minus strand). VCF-style: chr11-9144192-G-A. GRCh37 (hg19) VCF-style: chr11-9165739-G-A.
Other names: c.3209C>T, p.Pro1070Leu (NM_001243254.2, NM_001348748.1); c.3137C>T, p.Pro1046Leu (NM_001348749.2); c.2921C>T, p.Pro974Leu (NM_001348750.2); short protein forms P1070L, P974L, P1046L.
Identifiers: ClinVar variation 2008001 (VCV002008001.4), dbSNP rs775795514, ClinGen allele CA5877099.
Genomic context (GRCh38, chr11:9,144,192, plus strand): 5'-CGGATGACACTGGGGGACTGCTGCAGCGGCGGGGTCCGGCATGGCCTCTCATCCACCTCA[G>A]GCTGGGATGTGAGCAGCTCCCCAACTAGGATCCGCTCCAGGCTTCCATCATCCATGCCCT-3'
Protein context (NP_056028.2, residues 1060-1080): ILVGELLTSQ[Pro1070Leu]EVDERPCRTP

ClinVar aggregate classification (germline): Uncertain significance (1 of 4 stars; one submission).

Allele frequency attached by ClinVar (database versions not stated): gnomAD exomes below 0.00001; ExAC 0.00001.
gnomAD v4.1: 1 of 1,614,188 alleles (0.000062%); highest among the groups gnomAD compares: South Asian, 0.0011%; no homozygotes.

Submission:

Labcorp Genetics (formerly Invitae), Labcorp
Classification: Uncertain significance. Last evaluated: 2022-06-18. Review status: criteria provided, single submitter. Criteria: Invitae Variant Classification Sherloc (09022015). Collection method: clinical testing. Allele origin: germline.
Comment: In summary, the available evidence is currently insufficient to determine the role of this variant in disease. Therefore, it has been classified as a Variant of Uncertain Significance. Algorithms developed to predict the effect of missense changes on protein structure and function (SIFT, PolyPhen-2, Align-GVGD) all suggest that this variant is likely to be tolerated. This variant has not been reported in the literature in individuals affected with DENND5A-related conditions. This variant is present in population databases (rs775795514, gnomAD 0.003%). This sequence change replaces proline, which is neutral and non-polar, with leucine, which is neutral and non-polar, at codon 1070 of the DENND5A protein (p.Pro1070Leu).